The following is an entry in ClinVar:

NM_000059.4(BRCA2):c.6491_6494del (p.Gln2164fs)

Gene: BRCA2 (BRCA2 DNA repair associated; plus strand). Cytogenetic location: 13q13.1.
Variant type: Deletion.
Coding change: c.6491_6494del on transcript NM_000059.4 (MANE Select); coding-DNA positions 6491 to 6494, 4 bases deleted (AGTT; older notation c.6491_6494delAGTT).
Protein change: p.Gln2164fs; shifts the reading frame from glutamine 2164.
Molecular consequence: frameshift variant.
Genome position (GRCh38, 1-based): chr13:32,340,846-32,340,849, AGTT deleted. VCF-style (leftmost placement, unchanged base first): chr13-32340845-CAGTT-C. GRCh37 (hg19) VCF-style: chr13-32914982-CAGTT-C.
Other names: 6719del4; c.6491_6494delAGTT (NM_000059.3).
Identifiers: ClinVar variation 52116 (VCV000052116.20), dbSNP rs397507862, ClinGen allele CA024111.

ClinVar aggregate classification (germline): Pathogenic. Review status: reviewed by expert panel (3 of 4 stars). 8 submissions from 8 submitters: Pathogenic (1). 7 of the submissions do not count toward it. Last evaluated 2016-10-18.

Conditions:
Hereditary cancer-predisposing syndrome. Also called: Tumor predisposition; Neoplastic Syndromes, Hereditary; Hereditary Cancer Syndrome; Hereditary neoplastic syndrome. Identifiers: Orphanet 140162, MedGen C0027672, MeSH D009386, MONDO:0015356.
Hereditary breast ovarian cancer syndrome. Also called: Hereditary breast and ovarian cancer syndrome (HBOC); Hereditary breast and ovarian cancer syndrome; Hereditary breast and ovarian cancer; Hereditary breast and/or ovarian cancer syndrome; Breast and ovarian cancer; BRCA1- and BRCA2-Associated Hereditary Breast and Ovarian Cancer. Identifiers: Orphanet 145, MedGen C0677776, MeSH D061325, MONDO:0003582. Disease mechanism: loss of function.
Breast-ovarian cancer, familial, susceptibility to, 2 (BROVCA2). Also called: BRCA2 Hereditary Breast and Ovarian Cancer. Identifiers: Orphanet 145, MedGen C2675520, MONDO:0012933, OMIM 612555. Disease mechanism: loss of function.
Breast-ovarian cancer, familial, susceptibility to, 1 (BROVCA1). Also called: OVARIAN CANCER, SUSCEPTIBILITY TO; BRCA1 Hereditary Breast and Ovarian Cancer. Identifiers: Orphanet 145, MedGen C2676676, MONDO:0011450, OMIM 604370. Disease mechanism: loss of function.

Allele frequency attached by ClinVar (database versions not stated): gnomAD exomes below 0.00001; TOPMed 0.00001.

Submissions (8):

Evidence-based Network for the Interpretation of Germline Mutant Alleles (ENIGMA)
Classification: Pathogenic for Breast-ovarian cancer, familial, susceptibility to, 2. Last evaluated: 2016-10-18. Review status: reviewed by expert panel. Criteria: ENIGMA BRCA1/2 Classification Criteria (2015). Collection method: curation. Allele origin: germline.
Comment: Variant allele predicted to encode a truncated non-functional protein.

Labcorp Genetics (formerly Invitae), Labcorp
Classification: Pathogenic for Hereditary breast ovarian cancer syndrome. Last evaluated: 2025-10-07. Review status: criteria provided, single submitter. Criteria: Invitae Variant Classification Sherloc (09022015). Collection method: clinical testing. Allele origin: germline. Not counted in ClinVar's aggregate classification.
Comment: This sequence change creates a premature translational stop signal (p.Gln2164Argfs*3) in the BRCA2 gene. It is expected to result in an absent or disrupted protein product. Loss-of-function variants in BRCA2 are known to be pathogenic (PMID: 20104584). This variant is not present in population databases (gnomAD no frequency). This premature translational stop signal has been observed in individual(s) with breast and/or ovarian cancer (PMID: 21232165, 22366370, 28477318, 30606148). This variant is also known as 6719del4. ClinVar contains an entry for this variant (Variation ID: 52116). For these reasons, this variant has been classified as Pathogenic.

Ambry Genetics
Classification: Pathogenic for Hereditary cancer-predisposing syndrome. Last evaluated: 2025-08-28. Review status: criteria provided, single submitter. Criteria: Ambry Variant Classification Scheme 2023. Collection method: clinical testing. Allele origin: germline. Not counted in ClinVar's aggregate classification.
Comment: The c.6491_6494delAGTT pathogenic mutation, located in coding exon 10 of the BRCA2 gene, results from a deletion of 4 nucleotides at nucleotide positions 6491 to 6494, causing a translational frameshift with a predicted alternate stop codon (p.Q2164Rfs*3). This variant is considered to be rare based on population cohorts in the Genome Aggregation Database (gnomAD). This alteration is expected to result in loss of function by premature protein truncation or nonsense-mediated mRNA decay. As such, this alteration is interpreted as a disease-causing mutation.

Department of Molecular Diagnostics, Institute of Oncology Ljubljana
Classification: Pathogenic for Breast-ovarian cancer, familial, susceptibility to, 1. Last evaluated: 2020-04-02. Review status: criteria provided, single submitter. Criteria: ACMG Guidelines, 2015. Collection method: clinical testing. Allele origin: germline. Affected: yes. Not counted in ClinVar's aggregate classification.

Color Diagnostics, LLC DBA Color Health
Classification: Pathogenic for Hereditary cancer-predisposing syndrome. Last evaluated: 2020-01-15. Review status: criteria provided, single submitter. Criteria: ACMG Guidelines, 2015. Collection method: clinical testing. Allele origin: germline. Not counted in ClinVar's aggregate classification.
Comment: This variant deletes 4 nucleotides in exon 11 of the BRCA2 gene, creating a frameshift and premature translation stop signal. This variant is expected to result in an absent or non-functional protein product. This variant has not been identified in the general population by the Genome Aggregation Database (gnomAD). Loss of BRCA2 function is a known mechanism of disease. Based on the available evidence, this variant is classified as Pathogenic.

Consortium of Investigators of Modifiers of BRCA1/2 (CIMBA), c/o University of Cambridge
Classification: Pathogenic for Breast-ovarian cancer, familial, susceptibility to, 2. Last evaluated: 2015-10-02. Review status: criteria provided, single submitter. Criteria: CIMBA Mutation Classification guidelines May 2016. Collection method: clinical testing. Allele origin: germline. Not counted in ClinVar's aggregate classification.

BRCAlab, Lund University
Classification: Pathogenic for Breast-ovarian cancer, familial, susceptibility to, 2. Last evaluated: 2020-03-02. Review status: no assertion criteria provided. Collection method: clinical testing. Allele origin: germline. Affected: yes. Not counted in ClinVar's aggregate classification.

Research Molecular Genetics Laboratory, Women's College Hospital, University of Toronto
Classification: Pathogenic for Hereditary breast ovarian cancer syndrome. Last evaluated: 2014-01-31. Review status: no assertion criteria provided. Collection method: research. Allele origin: germline. Affected: yes. Study: The Canadian Open Genetics Repository (COGR). Not counted in ClinVar's aggregate classification.

Literature cited by the submitters: PubMed 20104584 (cited by Labcorp Genetics (formerly Invitae), Labcorp); PubMed 21232165 (cited by Labcorp Genetics (formerly Invitae), Labcorp); PubMed 22366370 (cited by Labcorp Genetics (formerly Invitae), Labcorp); PubMed 28477318 (cited by Labcorp Genetics (formerly Invitae), Labcorp); PubMed 30606148 (cited by Labcorp Genetics (formerly Invitae), Labcorp).